The following is an entry in ClinVar:

ClinVar aggregate classification (germline): Conflicting classifications of pathogenicity. Review status: criteria provided, conflicting classifications (1 of 4 stars). 2 submissions from 2 submitters: Uncertain significance (1); Likely benign (1). Last evaluated 2025-10-02.

Conditions:
Inborn genetic diseases. Identifiers: MedGen C0950123, MeSH D030342.

gnomAD v4.1: 1 of 1,613,868 alleles (0.000062%); highest among the groups gnomAD compares: East Asian, 0.0022%; no homozygotes.

Submissions (2):

Ambry Genetics
Classification: Likely benign for Inborn genetic diseases. Last evaluated: 2025-10-02. Review status: criteria provided, single submitter. Criteria: Ambry Variant Classification Scheme 2023. Collection method: clinical testing. Allele origin: germline.

Labcorp Genetics (formerly Invitae), Labcorp
Classification: Uncertain significance. Last evaluated: 2025-09-22. Review status: criteria provided, single submitter. Criteria: Invitae Variant Classification Sherloc (09022015). Collection method: clinical testing. Allele origin: germline.
Comment: This sequence change replaces valine, which is neutral and non-polar, with alanine, which is neutral and non-polar, at codon 286 of the DCHS1 protein (p.Val286Ala). This variant is not present in population databases (gnomAD no frequency). This variant has not been reported in the literature in individuals affected with DCHS1-related conditions. Invitae Evidence Modeling of protein sequence and biophysical properties (such as structural, functional, and spatial information, amino acid conservation, physicochemical variation, residue mobility, and thermodynamic stability) indicates that this missense variant is not expected to disrupt DCHS1 protein function with a negative predictive value of 95%. In summary, the available evidence is currently insufficient to determine the role of this variant in disease. Therefore, it has been classified as a Variant of Uncertain Significance.

NM_003737.4(DCHS1):c.857T>C (p.Val286Ala)

Gene: DCHS1 (dachsous cadherin-related 1; minus strand). Cytogenetic location: 11p15.4.
Variant type: single nucleotide variant.
Coding change: c.857T>C on transcript NM_003737.4 (MANE Select); coding-DNA position 857, T replaced by C.
Protein change: p.Val286Ala; replaces valine 286 with alanine.
Molecular consequence: missense variant.
Genome position (GRCh38, 1-based): chr11:6,640,757, A>G on the plus strand (T>C on the coding strand, the complement: DCHS1 is on the minus strand). VCF-style: chr11-6640757-A-G. GRCh37 (hg19) VCF-style: chr11-6661988-A-G.
Other names: short protein forms V286A.
Identifiers: ClinVar variation 4616990 (VCV004616990.2).